The following is an entry in ClinVar:

NM_015203.5(RPRD2):c.3507A>G (p.Glu1169=)

Gene: RPRD2 (regulation of nuclear pre-mRNA domain containing 2; plus strand). Cytogenetic location: 1q21.2.
Variant type: single nucleotide variant.
Coding change: c.3507A>G on transcript NM_015203.5 (MANE Select); coding-DNA position 3507, A replaced by G.
Protein change: p.Glu1169=; no amino-acid change (glutamic acid 1169 retained).
Molecular consequence: synonymous variant. On other transcripts: 3 prime UTR variant (7).
Genome position (GRCh38, 1-based): chr1:150,472,455, A>G. VCF-style: chr1-150472455-A-G. GRCh37 (hg19) VCF-style: chr1-150444931-A-G.
Other names: c.*484A>G (NM_001297673.2, NM_001387114.1, NM_001387115.1 and 4 more transcripts); c.3429A>G, p.Glu1143= (NM_001297674.2); c.3228A>G, p.Glu1076= (NM_001387118.1); c.3306A>G, p.Glu1102= (NM_001387119.1); c.2658A>G, p.Glu886= (NM_001387121.1); c.3099A>G, p.Glu1033= (NM_001387123.1, NM_001387124.1).
Identifiers: ClinVar variation 2639160 (VCV002639160.24), dbSNP rs1570809846, ClinGen allele CA420896131.

ClinVar aggregate classification (germline): Likely benign (1 of 4 stars; one submission).

Allele frequency attached by ClinVar (database versions not stated): gnomAD exomes below 0.00001.
gnomAD v4.1: 2 of 1,613,942 alleles (0.00012%); highest among the groups gnomAD compares: Non-Finnish European, 0.00017%; no homozygotes.

Submission:

CeGaT Center for Human Genetics Tuebingen
Classification: Likely benign. Last evaluated: 2022-06-01. Review status: criteria provided, single submitter. Criteria: CeGaT Center For Human Genetics Tuebingen Variant Classification Criteria Version 2. Collection method: clinical testing. Allele origin: germline. Affected: yes. Observed: 1 variant allele.
Comment: RPRD2: PM2:Supporting, BP4, BP7